The following is an entry in ClinVar:

ClinVar aggregate classification (germline): Uncertain significance (1 of 4 stars; one submission).

Allele frequency attached by ClinVar (database versions not stated): TOPMed below 0.00001.

Submission:

Labcorp Genetics (formerly Invitae), Labcorp
Classification: Uncertain significance. Last evaluated: 2023-05-03. Review status: criteria provided, single submitter. Criteria: Invitae Variant Classification Sherloc (09022015). Collection method: clinical testing. Allele origin: germline.
Comment: This variant has not been reported in the literature in individuals affected with DDX58-related conditions. Advanced modeling of protein sequence and biophysical properties (such as structural, functional, and spatial information, amino acid conservation, physicochemical variation, residue mobility, and thermodynamic stability) performed at Invitae indicates that this missense variant is not expected to disrupt DDX58 protein function. In summary, the available evidence is currently insufficient to determine the role of this variant in disease. Therefore, it has been classified as a Variant of Uncertain Significance. This variant is not present in population databases (gnomAD no frequency). This sequence change replaces glutamic acid, which is acidic and polar, with lysine, which is basic and polar, at codon 503 of the DDX58 protein (p.Glu503Lys).

NM_014314.4(RIGI):c.1507G>A (p.Glu503Lys)

Gene: RIGI (RNA sensor RIG-I; minus strand). Cytogenetic location: 9p21.1.
Variant type: single nucleotide variant.
Coding change: c.1507G>A on transcript NM_014314.4 (MANE Select); coding-DNA position 1507, G replaced by A.
Protein change: p.Glu503Lys; replaces glutamic acid 503 with lysine.
Molecular consequence: missense variant.
Genome position (GRCh38, 1-based): chr9:32,481,471, C>T on the plus strand (G>A on the coding strand, the complement: RIGI is on the minus strand). VCF-style: chr9-32481471-C-T. GRCh37 (hg19) VCF-style: chr9-32481469-C-T.
Other names: c.1501G>A, p.Glu501Lys (NM_001385907.1); c.1507G>A, p.Glu503Lys (NM_001385909.1); c.1066G>A, p.Glu356Lys (NM_001385910.1); c.898G>A, p.Glu300Lys (NM_001385912.1); c.1492G>A, p.Glu498Lys (NM_001385913.1); c.1063G>A, p.Glu355Lys (NM_001385914.1); short protein forms E501K, E503K, E300K, E355K, E356K, E498K.
Identifiers: ClinVar variation 2869220 (VCV002869220.3), dbSNP rs1823765980, ClinGen allele CA373153321.